The following is an entry in ClinVar:

NM_001365276.2(TNXB):c.1259T>C (p.Val420Ala)

Gene: TNXB (tenascin XB; minus strand). Cytogenetic location: 6p21.33.
Variant type: single nucleotide variant.
Coding change: c.1259T>C on transcript NM_001365276.2 (MANE Select); coding-DNA position 1259, T replaced by C.
Protein change: p.Val420Ala; replaces valine 420 with alanine.
Molecular consequence: missense variant.
Genome position (GRCh38, 1-based): chr6:32,096,594, A>G on the plus strand (T>C on the coding strand, the complement: TNXB is on the minus strand). VCF-style: chr6-32096594-A-G. GRCh37 (hg19) VCF-style: chr6-32064371-A-G.
Other names: p.Val420Ala; c.1259T>C, p.Val420Ala (NM_019105.8); short protein forms V420A.
Identifiers: ClinVar variation 500021 (VCV000500021.56), dbSNP rs200226242, ClinGen allele CA3735709.

ClinVar aggregate classification (germline): Conflicting classifications of pathogenicity. Review status: criteria provided, conflicting classifications (1 of 4 stars). 7 submissions from 7 submitters: Uncertain significance (2); Likely benign (5). Last evaluated 2026-04-02.

Conditions:
Cardiovascular phenotype. Identifiers: MedGen CN230736.

Allele frequency attached by ClinVar (database versions not stated): ESP Exome Variant Server 0.00009; TOPMed 0.00019; 1000 Genomes Project 0.00100; 1000 Genomes Project 30x 0.00109.
gnomAD v4.1: 655 of 1,586,176 alleles (0.041%); highest among the groups gnomAD compares: South Asian, 0.23%; 4 homozygotes.

Submissions (7):

Women's Health and Genetics/Laboratory Corporation of America, LabCorp
Classification: Likely benign. Last evaluated: 2026-04-02. Review status: criteria provided, single submitter. Criteria: LabCorp Variant Classification Summary - May 2015. Collection method: clinical testing. Allele origin: germline.
Comment: Variant summary: TNXB c.1259T>C (p.Val420Ala) results in a non-conservative amino acid change in the encoded protein sequence. Algorithms developed to predict the effect of missense changes on protein structure and function are either unavailable or do not agree on the potential impact of this missense change. The variant allele was found at a frequency of 0.00072 in 191756 control chromosomes, predominantly at a frequency of 0.0024 within the South Asian subpopulation in the gnomAD database. The observed variant frequency within South Asian control individuals in the gnomAD database exceeds the estimated maximal expected allele frequency for disease-causing variants in TNXB. To our knowledge, no occurrence of c.1259T>C in individuals affected with TNXB-related conditions and no experimental evidence demonstrating its impact on protein function have been reported. ClinVar contains an entry for this variant (Variation ID: 500021). Based on the evidence outlined above, the variant was classified as likely benign.

Labcorp Genetics (formerly Invitae), Labcorp
Classification: Likely benign. Last evaluated: 2026-02-01. Review status: criteria provided, single submitter. Criteria: Invitae Variant Classification Sherloc (09022015). Collection method: clinical testing. Allele origin: germline.

Mayo Clinic Laboratories, Mayo Clinic
Classification: Likely benign. Last evaluated: 2025-07-31. Review status: criteria provided, single submitter. Criteria: ACMG Guidelines, 2015. Collection method: clinical testing. Allele origin: germline. Observed: 2 variant alleles.
Comment: BS1, BS2_supporting, BP4

CeGaT Center for Human Genetics Tuebingen
Classification: Uncertain significance. Last evaluated: 2025-06-01. Review status: criteria provided, single submitter. Criteria: CeGaT Center For Human Genetics Tuebingen Variant Classification Criteria Version 2. Collection method: clinical testing. Allele origin: germline. Affected: yes. Observed: 5 variant alleles.

Ambry Genetics
Classification: Likely benign for Cardiovascular phenotype. Last evaluated: 2024-08-08. Review status: criteria provided, single submitter. Criteria: Ambry Variant Classification Scheme 2023. Collection method: clinical testing. Allele origin: germline.

GeneDx
Classification: Likely benign. Last evaluated: 2021-05-06. Review status: criteria provided, single submitter. Criteria: GeneDx Variant Classification Process June 2021. Collection method: clinical testing. Allele origin: germline. Affected: yes.

Eurofins Ntd Llc (ga)
Classification: Uncertain significance. Last evaluated: 2017-01-17. Review status: criteria provided, single submitter. Criteria: EGL Classification Definitions 2015. Collection method: clinical testing. Allele origin: germline. Observed: 1 variant allele, 1 heterozygote.